The following is an entry in ClinVar:

ClinVar aggregate classification (germline): Uncertain significance. Review status: criteria provided, multiple submitters, no conflicts (2 of 4 stars). 2 submissions from 2 submitters: Uncertain significance (2). Last evaluated 2025-03-04.

Conditions:
Congenital microcephaly - severe encephalopathy - progressive cerebral atrophy syndrome. Also called: Asparagine synthetase deficiency; ASNS DEFICIENCY. Identifiers: Orphanet 391376, MedGen C3809971, MONDO:0014258, OMIM 615574.

Submissions (2):

Institute of Human Genetics, University of Leipzig Medical Center
Classification: Uncertain significance for Congenital microcephaly - severe encephalopathy - progressive cerebral atrophy syndrome. Last evaluated: 2025-03-04. Review status: criteria provided, single submitter. Criteria: ACMG Guidelines, 2015. Collection method: clinical testing. Allele origin: inherited. Inheritance: Autosomal recessive inheritance. Affected: yes.
Comment: Criteria applied: PM2_SUP,PM3_SUP,PP3

CeGaT Center for Human Genetics Tuebingen
Classification: Uncertain significance. Last evaluated: 2023-01-01. Review status: criteria provided, single submitter. Criteria: CeGaT Center For Human Genetics Tuebingen Variant Classification Criteria Version 2. Collection method: clinical testing. Allele origin: germline. Affected: yes. Observed: 3 variant alleles.
Comment: ASNS: PM2, PM3:Supporting, BP4

NM_001673.5(ASNS):c.673+3A>G

Genes: ASNS (asparagine synthetase (glutamine-hydrolyzing); minus strand), CZ1P-ASNS (CZ1P-ASNS readthrough; minus strand). Cytogenetic location: 7q21.3.
Variant type: single nucleotide variant.
Coding change: c.673+3A>G on transcript NM_001673.5 (MANE Select); 3 bases into the intron after coding-DNA position 673, A replaced by G.
Molecular consequence: intron variant.
Genome position (GRCh38, 1-based): chr7:97,859,210, T>C on the plus strand (A>G on the coding strand, the complement: ASNS is on the minus strand). VCF-style: chr7-97859210-T-C. GRCh37 (hg19) VCF-style: chr7-97488522-T-C.
Other names: c.673+3A>G (NM_001352496.2, NM_183356.4, NM_133436.3); c.424+3A>G (NM_001178076.2, NM_001178077.1); c.610+3A>G (NM_001178075.2).
Identifiers: ClinVar variation 2499051 (VCV002499051.30), dbSNP rs1177740564, ClinGen allele CA1728319583.